The following is an entry in ClinVar:

ClinVar aggregate classification (germline): Uncertain significance. Review status: criteria provided, multiple submitters, no conflicts (2 of 4 stars). 2 submissions from 2 submitters: Uncertain significance (2). Last evaluated 2024-12-24.

Allele frequency attached by ClinVar (database versions not stated): gnomAD 0.00001; TOPMed 0.00001.
gnomAD v4.1: 3 of 1,612,920 alleles (0.00019%); highest among the groups gnomAD compares: Non-Finnish European, 0.00025%; no homozygotes.

Submissions (2):

Labcorp Genetics (formerly Invitae), Labcorp
Classification: Uncertain significance. Last evaluated: 2024-12-24. Review status: criteria provided, single submitter. Criteria: Invitae Variant Classification Sherloc (09022015). Collection method: clinical testing. Allele origin: germline.
Comment: This sequence change replaces aspartic acid, which is acidic and polar, with histidine, which is basic and polar, at codon 741 of the COL11A2 protein (p.Asp741His). This variant is present in population databases (no rsID available, gnomAD 0.007%). This variant has not been reported in the literature in individuals affected with COL11A2-related conditions. ClinVar contains an entry for this variant (Variation ID: 1952627). Invitae Evidence Modeling of protein sequence and biophysical properties (such as structural, functional, and spatial information, amino acid conservation, physicochemical variation, residue mobility, and thermodynamic stability) indicates that this missense variant is not expected to disrupt COL11A2 protein function with a negative predictive value of 95%. Algorithms developed to predict the effect of sequence changes on RNA splicing suggest that this variant may disrupt the consensus splice site. In summary, the available evidence is currently insufficient to determine the role of this variant in disease. Therefore, it has been classified as a Variant of Uncertain Significance.

Blueprint Genetics
Classification: Uncertain significance. Last evaluated: 2020-03-04. Review status: criteria provided, single submitter. Criteria: ACMG Guidelines, 2015. Collection method: clinical testing. Allele origin: germline.

NM_080680.3(COL11A2):c.2221G>C (p.Asp741His)

Gene: COL11A2 (collagen type XI alpha 2 chain; minus strand). Cytogenetic location: 6p21.32.
Variant type: single nucleotide variant.
Coding change: c.2221G>C on transcript NM_080680.3 (MANE Select); coding-DNA position 2221, G replaced by C.
Protein change: p.Asp741His; replaces aspartic acid 741 with histidine.
Molecular consequence: missense variant.
Genome position (GRCh38, 1-based): chr6:33,176,063, C>G on the plus strand (G>C on the coding strand, the complement: COL11A2 is on the minus strand). VCF-style: chr6-33176063-C-G. GRCh37 (hg19) VCF-style: chr6-33143840-C-G.
Other names: c.1900G>C, p.Asp634His (NM_080679.3); c.1963G>C, p.Asp655His (NM_080681.3); short protein forms D634H, D655H, D741H.
Identifiers: ClinVar variation 1952627 (VCV001952627.5), dbSNP rs1368421745, ClinGen allele CA363648724.